The following is an entry in ClinVar:

ClinVar aggregate classification (germline): Uncertain significance (1 of 4 stars; one submission).

Submission:

GeneDx
Classification: Uncertain significance. Last evaluated: 2022-12-30. Review status: criteria provided, single submitter. Criteria: GeneDx Variant Classification Process June 2021. Collection method: clinical testing. Allele origin: germline. Affected: yes.
Comment: Not observed at significant frequency in large population cohorts (gnomAD); In silico analysis supports that this missense variant has a deleterious effect on protein structure/function; Has not been previously published as pathogenic or benign to our knowledge

NM_001130004.2(ACTN1):c.1197C>G (p.Phe399Leu)

Gene: ACTN1 (actinin alpha 1; minus strand). Cytogenetic location: 14q24.1.
Variant type: single nucleotide variant.
Coding change: c.1197C>G on transcript NM_001130004.2 (MANE Select); coding-DNA position 1197, C replaced by G.
Protein change: p.Phe399Leu; replaces phenylalanine 399 with leucine.
Molecular consequence: missense variant.
Genome position (GRCh38, 1-based): chr14:68,890,176, G>C on the plus strand (C>G on the coding strand, the complement: ACTN1 is on the minus strand). VCF-style: chr14-68890176-G-C. GRCh37 (hg19) VCF-style: chr14-69356893-G-C.
Other names: c.1197C>G, p.Phe399Leu (NM_001102.4, NM_001130005.2, NM_001411035.1); c.1002C>G, p.Phe334Leu (NM_001411036.1); short protein forms F334L, F399L.
Identifiers: ClinVar variation 2507345 (VCV002507345.1), dbSNP rs1378398116, ClinGen allele CA390187088.